The following is an entry in ClinVar:

NM_020693.4(DSCAML1):c.4582C>T (p.Leu1528Phe)

Gene: DSCAML1 (DS cell adhesion molecule like 1; minus strand). Cytogenetic location: 11q23.3.
Variant type: single nucleotide variant.
Coding change: c.4582C>T on transcript NM_020693.4 (MANE Select); coding-DNA position 4582, C replaced by T.
Protein change: p.Leu1528Phe; replaces leucine 1528 with phenylalanine.
Molecular consequence: missense variant.
Genome position (GRCh38, 1-based): chr11:117,437,260, G>A on the plus strand (C>T on the coding strand, the complement: DSCAML1 is on the minus strand). VCF-style: chr11-117437260-G-A. GRCh37 (hg19) VCF-style: chr11-117307976-G-A.
Other names: short protein forms L1528F.
Identifiers: ClinVar variation 2155987 (VCV002155987.4), dbSNP rs148239444, ClinGen allele CA6296334.

ClinVar aggregate classification (germline): Uncertain significance (1 of 4 stars; one submission).

Allele frequency attached by ClinVar (database versions not stated): gnomAD exomes 0.00001; ExAC 0.00005; gnomAD 0.00010; TOPMed 0.00013; ESP Exome Variant Server 0.00031; 1000 Genomes Project 0.00040; 1000 Genomes Project 30x 0.00047.
gnomAD v4.1: 27 of 1,614,246 alleles (0.0017%); highest among the groups gnomAD compares: African/African-American, 0.029%; no homozygotes.

Submission:

Labcorp Genetics (formerly Invitae), Labcorp
Classification: Uncertain significance. Last evaluated: 2025-11-15. Review status: criteria provided, single submitter. Criteria: Invitae Variant Classification Sherloc (09022015). Collection method: clinical testing. Allele origin: germline.
Comment: This sequence change replaces leucine, which is neutral and non-polar, with phenylalanine, which is neutral and non-polar, at codon 1588 of the DSCAML1 protein (p.Leu1588Phe). This variant is present in population databases (rs148239444, gnomAD 0.05%). This variant has not been reported in the literature in individuals affected with DSCAML1-related conditions. ClinVar contains an entry for this variant (Variation ID: 2155987). An algorithm developed to predict the effect of missense changes on protein structure and function (PolyPhen-2) suggests that this variant is likely to be tolerated. In summary, the available evidence is currently insufficient to determine the role of this variant in disease. Therefore, it has been classified as a Variant of Uncertain Significance.